The following is an entry in ClinVar:

ClinVar aggregate classification (germline): Likely pathogenic (1 of 4 stars; one submission).

Conditions:
Carnitine palmitoyl transferase 1A deficiency. Also called: CPT deficiency, hepatic, type IA; CPT I DEFICIENCY; CPT DEFICIENCY, HEPATIC, TYPE I; Carnitine palmitoyltransferase 1A deficiency; Carnitine palmitoyltransferase type I deficiency. Identifiers: Orphanet 156, MedGen C1829703, MONDO:0009705, OMIM 255120.

Submission:

Labcorp Genetics (formerly Invitae), Labcorp
Classification: Likely pathogenic for Carnitine palmitoyl transferase 1A deficiency. Last evaluated: 2021-01-02. Review status: criteria provided, single submitter. Criteria: Invitae Variant Classification Sherloc (09022015). Collection method: clinical testing. Allele origin: germline.
Comment: In summary, the currently available evidence indicates that the variant is pathogenic, but additional data are needed to prove that conclusively. Therefore, this variant has been classified as Likely Pathogenic. This variant has not been reported in the literature in individuals with CPT1A-related conditions. This variant results in a copy number gain of the genomic region encompassing exon(s) 10-12 of the CPT1A gene. While the exact position of this variant cannot be determined from the data, sub-genic copy number gains are generally in tandem (PMID: 25640679). This variant is predicted to be out-of-frame, and may result in an absent or disrupted protein product. Loss-of-function variants in CPT1A are known to be pathogenic (PMID: 16169268).

Literature cited by the submitters: PubMed 25640679; PubMed 16169268.

NC_000011.9:g.(?_68548098)_(68552488_?)dup

Gene: CPT1A (carnitine palmitoyltransferase 1A; minus strand). Cytogenetic location: 11q13.3.
Variant type: Duplication.
Identifiers: ClinVar variation 1506421 (VCV001506421.4).